The following is an entry in ClinVar:

ClinVar aggregate classification (germline): Uncertain significance (1 of 4 stars; one submission).

Conditions:
Mitochondrial complex II deficiency, nuclear type 1. Also called: SUCCINATE CoQ REDUCTASE DEFICIENCY. Identifiers: Orphanet 3208, MedGen C5700310, MONDO:0100294, OMIM 252011.
Pheochromocytoma/paraganglioma syndrome 5. Also called: Paragangliomas 5; SDHA-Related Hereditary Paraganglioma-Pheochromocytoma Syndrome. Identifiers: Orphanet 29072, MedGen C3279992, MONDO:0013602, OMIM 614165.

Submission:

Labcorp Genetics (formerly Invitae), Labcorp
Classification: Uncertain significance for Pheochromocytoma/paraganglioma syndrome 5; Mitochondrial complex II deficiency, nuclear type 1. Last evaluated: 2025-05-05. Review status: criteria provided, single submitter. Criteria: Invitae Variant Classification Sherloc (09022015). Collection method: clinical testing. Allele origin: germline.
Comment: This sequence change replaces threonine, which is neutral and polar, with alanine, which is neutral and non-polar, at codon 508 of the SDHA protein (p.Thr508Ala). This variant is not present in population databases (gnomAD no frequency). This variant has not been reported in the literature in individuals affected with SDHA-related conditions. ClinVar contains an entry for this variant (Variation ID: 539684). Invitae Evidence Modeling of protein sequence and biophysical properties (such as structural, functional, and spatial information, amino acid conservation, physicochemical variation, residue mobility, and thermodynamic stability) indicates that this missense variant is not expected to disrupt SDHA protein function with a negative predictive value of 95%. In summary, the available evidence is currently insufficient to determine the role of this variant in disease. Therefore, it has been classified as a Variant of Uncertain Significance.

NM_004168.4(SDHA):c.1522A>G (p.Thr508Ala)

Gene: SDHA (succinate dehydrogenase complex flavoprotein subunit A; plus strand). Cytogenetic location: 5p15.33.
Variant type: single nucleotide variant.
Coding change: c.1522A>G on transcript NM_004168.4 (MANE Select); coding-DNA position 1522, A replaced by G.
Protein change: p.Thr508Ala; replaces threonine 508 with alanine.
Molecular consequence: missense variant.
Genome position (GRCh38, 1-based): chr5:240,447, A>G. VCF-style: chr5-240447-A-G. GRCh37 (hg19) VCF-style: chr5-240562-A-G.
Other names: c.1378A>G, p.Thr460Ala (NM_001294332.2); c.1522A>G, p.Thr508Ala (NM_001330758.2); short protein forms T508A, T460A.
Identifiers: ClinVar variation 539684 (VCV000539684.9), dbSNP rs1060503718, ClinGen allele CA359014353.